The following is an entry in ClinVar:

NM_000748.3(CHRNB2):c.373G>A (p.Gly125Ser)

Gene: CHRNB2 (cholinergic receptor nicotinic beta 2 subunit; plus strand). Cytogenetic location: 1q21.3.
Variant type: single nucleotide variant.
Coding change: c.373G>A on transcript NM_000748.3 (MANE Select); coding-DNA position 373, G replaced by A.
Protein change: p.Gly125Ser; replaces glycine 125 with serine.
Molecular consequence: missense variant.
Genome position (GRCh38, 1-based): chr1:154,571,196, G>A. VCF-style: chr1-154571196-G-A. GRCh37 (hg19) VCF-style: chr1-154543672-G-A.
Other names: short protein forms G125S.
Identifiers: ClinVar variation 373511 (VCV000373511.8), dbSNP rs922186544, ClinGen allele CA16042306.

ClinVar aggregate classification (germline): Uncertain significance. Review status: criteria provided, multiple submitters, no conflicts (2 of 4 stars). 3 submissions from 3 submitters: Uncertain significance (3). Last evaluated 2025-05-26.

Conditions:
Familial sleep-related hypermotor epilepsy. Also called: Autosomal Dominant Sleep-Related Hypermotor (Hyperkinetic) Epilepsy. Identifiers: Orphanet 98784, MedGen C3696898, MONDO:0000030.
Autosomal dominant nocturnal frontal lobe epilepsy 3. Also called: CHRNB2-Related Nocturnal Frontal Lobe Epilepsy, Autosomal Dominant. Identifiers: Orphanet 98784, MedGen C1854335, MONDO:0011545, OMIM 605375.

Allele frequency attached by ClinVar (database versions not stated): gnomAD exomes below 0.00001; TOPMed 0.00005; gnomAD 0.00001.
gnomAD v4.1: 6 of 1,614,028 alleles (0.00037%); highest among the groups gnomAD compares: Admixed American, 0.0017%; no homozygotes.

Submissions (3):

Labcorp Genetics (formerly Invitae), Labcorp
Classification: Uncertain significance. Last evaluated: 2025-05-26. Review status: criteria provided, single submitter. Criteria: Invitae Variant Classification Sherloc (09022015). Collection method: clinical testing. Allele origin: germline.
Comment: This sequence change replaces glycine, which is neutral and non-polar, with serine, which is neutral and polar, at codon 125 of the CHRNB2 protein (p.Gly125Ser). This variant is not present in population databases (gnomAD no frequency). This variant has not been reported in the literature in individuals affected with CHRNB2-related conditions. ClinVar contains an entry for this variant (Variation ID: 373511). Invitae Evidence Modeling of protein sequence and biophysical properties (such as structural, functional, and spatial information, amino acid conservation, physicochemical variation, residue mobility, and thermodynamic stability) has been performed for this missense variant. However, the output from this modeling did not meet the statistical confidence thresholds required to predict the impact of this variant on CHRNB2 protein function. In summary, the available evidence is currently insufficient to determine the role of this variant in disease. Therefore, it has been classified as a Variant of Uncertain Significance.

New York Genome Center
Classification: Uncertain significance for Autosomal dominant nocturnal frontal lobe epilepsy 3. Last evaluated: 2021-05-21. Review status: criteria provided, single submitter. Criteria: NYGC Assertion Criteria 2020. Collection method: clinical testing. Allele origin: inherited. Observed: 1 heterozygote. Study: CSER-NYCKidSeq.

GeneDx
Classification: Uncertain significance. Last evaluated: 2016-11-28. Review status: criteria provided, single submitter. Criteria: GeneDx Variant Classification (06012015). Collection method: clinical testing. Allele origin: germline. Affected: yes.
Comment: A variant of uncertain significance has been identified in the CHRNB2 gene. The G125S variant has not been published as a pathogenic variant, nor has it been reported as a benign variant to our knowledge. The G125S variant is not observed in large population cohorts (Lek et al., 2016; 1000 Genomes Consortium et al., 2015; Exome Variant Server). The G125S variant is a non-conservative amino acid substitution, which is likely to impact secondary protein structure as these residues differ in polarity, charge, size and/or other properties. This substitution occurs at a position that is conserved across species and in silico analysis predicts this variant is probably damaging to the protein structure/function. However, this amino acid substitution is not predicted to occur within the transmembrane region of the protein, where the vast majority of pathogenic missense variants have been identified in association with epilepsy (Steinlein et al., 2010). Therefore, based on the currently available information, it is unclear whether this variant is a pathogenic variant or a rare benign variant.